The following is an entry in ClinVar:

NM_001365536.1(SCN9A):c.4665A>G (p.Ile1555Met)

Genes: SCN9A (sodium voltage-gated channel alpha subunit 9; minus strand), SCN1A-AS1 (SCN1A and SCN9A antisense RNA 1; plus strand). Cytogenetic location: 2q24.3.
Variant type: single nucleotide variant.
Coding change: c.4665A>G on transcript NM_001365536.1 (MANE Select); coding-DNA position 4665, A replaced by G.
Protein change: p.Ile1555Met; replaces isoleucine 1555 with methionine.
Molecular consequence: missense variant.
Genome position (GRCh38, 1-based): chr2:166,204,064, T>C on the plus strand (A>G on the coding strand, the complement: SCN9A is on the minus strand). VCF-style: chr2-166204064-T-C. GRCh37 (hg19) VCF-style: chr2-167060574-T-C.
Other names: c.4632A>G, p.Ile1544Met (NM_002977.4); short protein forms I1544M, I1555M.
Identifiers: ClinVar variation 2927503 (VCV002927503.4), dbSNP rs2106346205, ClinGen allele CA349057493.

ClinVar aggregate classification (germline): Uncertain significance. Review status: criteria provided, multiple submitters, no conflicts (2 of 4 stars). 2 submissions from 2 submitters: Uncertain significance (2). Last evaluated 2026-04-30.

Conditions:
Neuropathy, hereditary sensory and autonomic, type 2A (HSAN2A). Also called: ACROOSTEOLYSIS, GIACCAI TYPE; ACROOSTEOLYSIS, NEUROGENIC; WNK1-Related HSAN2 (HSAN2A); MORVAN DISEASE; NEUROPATHY, CONGENITAL SENSORY; NEUROPATHY, HEREDITARY SENSORY RADICULAR, AUTOSOMAL RECESSIVE. Identifiers: Orphanet 970, MedGen C2752089, MONDO:0024309, OMIM 201300.
Generalized epilepsy with febrile seizures plus, type 7 (GEFSP7). Also called: GEFS+, TYPE 7. Identifiers: Orphanet 36387, MedGen C2751778, MONDO:0013470, OMIM 613863.
Inborn genetic diseases. Identifiers: MedGen C0950123, MeSH D030342.

Allele frequency attached by ClinVar (database versions not stated): gnomAD exomes below 0.00001.
gnomAD v4.1: 1 of 1,612,384 alleles (0.000062%); highest among the groups gnomAD compares: Non-Finnish European, 0.000085%; no homozygotes.

Submissions (2):

Ambry Genetics
Classification: Uncertain significance for Inborn genetic diseases. Last evaluated: 2026-04-30. Review status: criteria provided, single submitter. Criteria: Ambry Variant Classification Scheme 2023. Collection method: clinical testing. Allele origin: germline.

Labcorp Genetics (formerly Invitae), Labcorp
Classification: Uncertain significance for Neuropathy, hereditary sensory and autonomic, type 2A; Generalized epilepsy with febrile seizures plus, type 7. Last evaluated: 2025-08-08. Review status: criteria provided, single submitter. Criteria: Invitae Variant Classification Sherloc (09022015). Collection method: clinical testing. Allele origin: germline.
Comment: This sequence change replaces isoleucine, which is neutral and non-polar, with methionine, which is neutral and non-polar, at codon 1544 of the SCN9A protein (p.Ile1544Met). This variant is not present in population databases (gnomAD no frequency). This variant has not been reported in the literature in individuals affected with SCN9A-related conditions. ClinVar contains an entry for this variant (Variation ID: 2927503). Invitae Evidence Modeling of protein sequence and biophysical properties (such as structural, functional, and spatial information, amino acid conservation, physicochemical variation, residue mobility, and thermodynamic stability) has been performed for this missense variant. However, the output from this modeling did not meet the statistical confidence thresholds required to predict the impact of this variant on SCN9A protein function. In summary, the available evidence is currently insufficient to determine the role of this variant in disease. Therefore, it has been classified as a Variant of Uncertain Significance.